The following is an entry in ClinVar:

NM_002692.4(POLE2):c.323+1G>T

Gene: POLE2 (DNA polymerase epsilon 2, accessory subunit; minus strand). Cytogenetic location: 14q21.3.
Variant type: single nucleotide variant.
Coding change: c.323+1G>T on transcript NM_002692.4 (MANE Select); the canonical splice donor site of the intron after coding-DNA position 323, G replaced by T.
Molecular consequence: splice donor variant. On other transcripts: intron variant (1).
Genome position (GRCh38, 1-based): chr14:49,674,349, C>A on the plus strand (G>T on the coding strand, the complement: POLE2 is on the minus strand). VCF-style: chr14-49674349-C-A. GRCh37 (hg19) VCF-style: chr14-50141067-C-A.
Other names: c.246-133G>T (NM_001197330.2); c.323+1G>T (NM_001348384.2, NM_001197331.3); c.92+1G>T (NM_001348385.2).
Identifiers: ClinVar variation 4705050 (VCV004705050.1).

ClinVar aggregate classification (germline): Uncertain significance (1 of 4 stars; one submission).

gnomAD v4.1: 23 of 1,589,962 alleles (0.0014%); highest among the groups gnomAD compares: Non-Finnish European, 0.0019%; no homozygotes.

Submission:

Labcorp Genetics (formerly Invitae), Labcorp
Classification: Uncertain significance. Last evaluated: 2025-03-05. Review status: criteria provided, single submitter. Criteria: Invitae Variant Classification Sherloc (09022015). Collection method: clinical testing. Allele origin: germline.
Comment: This sequence change affects a donor splice site in intron 4 of the POLE2 gene. It is expected to disrupt RNA splicing. Variants that disrupt the donor or acceptor splice site typically lead to a loss of protein function (PMID: 16199547), however the current clinical and genetic evidence is not sufficient to establish whether loss-of-function variants in POLE2 cause disease. This variant is not present in population databases (gnomAD no frequency). This variant has not been reported in the literature in individuals affected with POLE2-related conditions. Algorithms developed to predict the effect of sequence changes on RNA splicing suggest that this variant may disrupt the consensus splice site. In summary, the available evidence is currently insufficient to determine the role of this variant in disease. Therefore, it has been classified as a Variant of Uncertain Significance.

Literature cited by the submitters: PubMed 16199547.